The following is an entry in ClinVar:

NM_001042492.3(NF1):c.6536G>T (p.Arg2179Leu)

Gene: NF1 (neurofibromin 1; plus strand). Cytogenetic location: 17q11.2.
Variant type: single nucleotide variant.
Coding change: c.6536G>T on transcript NM_001042492.3 (MANE Select); coding-DNA position 6536, G replaced by T.
Protein change: p.Arg2179Leu; replaces arginine 2179 with leucine.
Molecular consequence: missense variant.
Genome position (GRCh38, 1-based): chr17:31,337,476, G>T. VCF-style: chr17-31337476-G-T. GRCh37 (hg19) VCF-style: chr17-29664494-G-T.
Other names: c.6473G>T, p.Arg2158Leu (NM_000267.4); short protein forms R2179L, R2158L.
Identifiers: ClinVar variation 963058 (VCV000963058.7), dbSNP rs772639479, ClinGen allele CA8487363.

ClinVar aggregate classification (germline): Uncertain significance. Review status: criteria provided, multiple submitters, no conflicts (2 of 4 stars). 2 submissions from 2 submitters: Uncertain significance (2). Last evaluated 2023-12-15.

Conditions:
Hereditary cancer-predisposing syndrome. Also called: Hereditary neoplastic syndrome; Tumor predisposition; Neoplastic Syndromes, Hereditary; Hereditary Cancer Syndrome. Identifiers: Orphanet 140162, MedGen C0027672, MeSH D009386, MONDO:0015356.
Cardiovascular phenotype. Identifiers: MedGen CN230736.
Neurofibromatosis, type 1 (NF1). Also called: Peripheral type neurofibromatosis; VON RECKLINGHAUSEN DISEASE; NEUROFIBROMATOSIS, TYPE I, SOMATIC; Neurofibromatosis, type I. Identifiers: Orphanet 636, MedGen C0027831, MONDO:0018975, OMIM 162200. Disease mechanism: loss of function.

Allele frequency attached by ClinVar (database versions not stated): ExAC 0.00001.
gnomAD v4.1: 1 of 1,614,028 alleles (0.000062%); highest among the groups gnomAD compares: Non-Finnish European, 0.000085%; no homozygotes.

Submissions (2):

Ambry Genetics
Classification: Uncertain significance for Cardiovascular phenotype; Hereditary cancer-predisposing syndrome. Last evaluated: 2023-12-15. Review status: criteria provided, single submitter. Criteria: Ambry Variant Classification Scheme 2023. Collection method: clinical testing. Allele origin: germline.
Comment: The p.R2158L variant (also known as c.6473G>T), located in coding exon 42 of the NF1 gene, results from a G to T substitution at nucleotide position 6473. The arginine at codon 2158 is replaced by leucine, an amino acid with dissimilar properties. This amino acid position is conserved. In addition, the in silico prediction for this alteration is inconclusive. Since supporting evidence is limited at this time, the clinical significance of this alteration remains unclear.

Labcorp Genetics (formerly Invitae), Labcorp
Classification: Uncertain significance for Neurofibromatosis, type 1. Last evaluated: 2022-02-18. Review status: criteria provided, single submitter. Criteria: Invitae Variant Classification Sherloc (09022015). Collection method: clinical testing. Allele origin: germline.
Comment: In summary, the available evidence is currently insufficient to determine the role of this variant in disease. Therefore, it has been classified as a Variant of Uncertain Significance. Algorithms developed to predict the effect of sequence changes on RNA splicing suggest that this variant may create or strengthen a splice site. Advanced modeling of protein sequence and biophysical properties (such as structural, functional, and spatial information, amino acid conservation, physicochemical variation, residue mobility, and thermodynamic stability) performed at Invitae indicates that this missense variant is expected to disrupt NF1 protein function. ClinVar contains an entry for this variant (Variation ID: 963058). This variant has not been reported in the literature in individuals affected with NF1-related conditions. This variant is present in population databases (rs772639479, gnomAD 0.0009%). This sequence change replaces arginine, which is basic and polar, with leucine, which is neutral and non-polar, at codon 2158 of the NF1 protein (p.Arg2158Leu).